The following is an entry in ClinVar:

NM_152618.3(BBS12):c.719C>T (p.Thr240Ile)

Gene: BBS12 (Bardet-Biedl syndrome 12; plus strand). Cytogenetic location: 4q27.
Variant type: single nucleotide variant.
Coding change: c.719C>T on transcript NM_152618.3 (MANE Select); coding-DNA position 719, C replaced by T.
Protein change: p.Thr240Ile; replaces threonine 240 with isoleucine.
Molecular consequence: missense variant.
Genome position (GRCh38, 1-based): chr4:122,742,611, C>T. VCF-style: chr4-122742611-C-T. GRCh37 (hg19) VCF-style: chr4-123663766-C-T.
Other names: c.719C>T, p.Thr240Ile (NM_001178007.2); short protein forms T240I.
Identifiers: ClinVar variation 1442374 (VCV001442374.5), dbSNP rs140537219, ClinGen allele CA3069319.

ClinVar aggregate classification (germline): Uncertain significance (1 of 4 stars; one submission).

Conditions:
Bardet-Biedl syndrome (BBS). Identifiers: Orphanet 110, MedGen C0752166, MONDO:0015229.

Allele frequency attached by ClinVar (database versions not stated): gnomAD exomes below 0.00001; ExAC 0.00001; gnomAD 0.00001; TOPMed 0.00001; 1000 Genomes Project 30x 0.00016; 1000 Genomes Project 0.00020.

Submission:

Labcorp Genetics (formerly Invitae), Labcorp
Classification: Uncertain significance for Bardet-Biedl syndrome. Last evaluated: 2022-08-09. Review status: criteria provided, single submitter. Criteria: Invitae Variant Classification Sherloc (09022015). Collection method: clinical testing. Allele origin: germline.
Comment: This sequence change replaces threonine, which is neutral and polar, with isoleucine, which is neutral and non-polar, at codon 240 of the BBS12 protein (p.Thr240Ile). This variant is present in population databases (rs140537219, gnomAD 0.007%). This variant has not been reported in the literature in individuals affected with BBS12-related conditions. ClinVar contains an entry for this variant (Variation ID: 1442374). Algorithms developed to predict the effect of missense changes on protein structure and function are either unavailable or do not agree on the potential impact of this missense change (SIFT: "Deleterious"; PolyPhen-2: "Benign"; Align-GVGD: "Class C0"). In summary, the available evidence is currently insufficient to determine the role of this variant in disease. Therefore, it has been classified as a Variant of Uncertain Significance.